The following is an entry in ClinVar:

NM_004187.5(KDM5C):c.2795A>T (p.Asp932Val)

Gene: KDM5C (lysine demethylase 5C; minus strand). Cytogenetic location: Xp11.22.
Variant type: single nucleotide variant.
Coding change: c.2795A>T on transcript NM_004187.5 (MANE Select); coding-DNA position 2795, A replaced by T.
Protein change: p.Asp932Val; replaces aspartic acid 932 with valine.
Molecular consequence: missense variant. On other transcripts: non-coding transcript variant (3).
Genome position (GRCh38, 1-based): chrX:53,196,872, T>A on the plus strand (A>T on the coding strand, the complement: KDM5C is on the minus strand). VCF-style: chrX-53196872-T-A. GRCh37 (hg19) VCF-style: chrX-53226054-T-A.
Other names: c.2594A>T, p.Asp865Val (NM_001146702.2); c.2792A>T, p.Asp931Val (NM_001282622.3, NM_001353979.2, NM_001353982.2); c.2795A>T, p.Asp932Val (NM_001353978.3, NM_001353981.2, NM_001353984.2); short protein forms D865V, D931V, D932V.
Identifiers: ClinVar variation 2673234 (VCV002673234.23), dbSNP rs2519397936, ClinGen allele CA413112828.

ClinVar aggregate classification (germline): Uncertain significance (1 of 4 stars; one submission).

Submission:

CeGaT Center for Human Genetics Tuebingen
Classification: Uncertain significance. Last evaluated: 2023-11-01. Review status: criteria provided, single submitter. Criteria: CeGaT Center For Human Genetics Tuebingen Variant Classification Criteria Version 2. Collection method: clinical testing. Allele origin: germline. Affected: yes. Observed: 1 variant allele.
Comment: KDM5C: PM2, BP4